The following is an entry in ClinVar:

ClinVar aggregate classification (germline): Pathogenic (1 of 4 stars; one submission).

Conditions:
Joubert syndrome. Also called: CEREBELLOPARENCHYMAL DISORDER IV; JOUBERT-BOLTSHAUSER SYNDROME; Familial aplasia of the vermis. Identifiers: Orphanet 475, MedGen C5979921, MONDO:0018772.
Meckel-Gruber syndrome. Also called: DYSENCEPHALIA SPLANCHNOCYSTICA; GRUBER SYNDROME; Dysencephalia splachnocystica. Identifiers: Orphanet 564, MedGen C0265215, MONDO:0018921.

Submission:

Labcorp Genetics (formerly Invitae), Labcorp
Classification: Pathogenic for Joubert syndrome; Meckel-Gruber syndrome. Last evaluated: 2022-03-14. Review status: criteria provided, single submitter. Criteria: Invitae Variant Classification Sherloc (09022015). Collection method: clinical testing. Allele origin: germline.
Comment: For these reasons, this variant has been classified as Pathogenic. This variant has not been reported in the literature in individuals affected with RPGRIP1L-related conditions. This variant is a gross deletion of the genomic region encompassing exon(s) 25 of the RPGRIP1L gene. This deletion is out-of-frame, and is expected to create a premature termination codon and result in an absent or disrupted protein product. Loss-of-function variants in RPGRIP1L are known to be pathogenic (PMID: 17558409).

Literature cited by the submitters: PubMed 17558409.

NC_000016.9:g.(?_53644869)_(53644973_?)del

Gene: RPGRIP1L (RPGRIP1 like; minus strand). Cytogenetic location: 16q12.2.
Variant type: Deletion.
Identifiers: ClinVar variation 2426112 (VCV002426112.6).